The following is an entry in ClinVar:

NM_002497.4(NEK2):c.10C>T (p.Arg4Trp)

Genes: NEK2 (NIMA related kinase 2; minus strand), LOC129932452 (ATAC-STARR-seq lymphoblastoid active region 2489; plus strand). Cytogenetic location: 1q32.3.
Variant type: single nucleotide variant.
Coding change: c.10C>T on transcript NM_002497.4 (MANE Select); coding-DNA position 10, C replaced by T.
Protein change: p.Arg4Trp; replaces arginine 4 with tryptophan.
Molecular consequence: missense variant.
Genome position (GRCh38, 1-based): chr1:211,675,470, G>A on the plus strand (C>T on the coding strand, the complement: NEK2 is on the minus strand). VCF-style: chr1-211675470-G-A. GRCh37 (hg19) VCF-style: chr1-211848812-G-A.
Other names: c.10C>T, p.Arg4Trp (NM_001204182.2, NM_001204183.2); short protein forms R4W.
Identifiers: ClinVar variation 1061892 (VCV001061892.10), dbSNP rs200051849, ClinGen allele CA1381783.
Genomic context (GRCh38, chr1:211,675,470, plus strand): 5'-TCTGGCAGCGGCCGTAGGAGCCTGTGCCAATGGTGTACAACACTTCATAGTCCTCAGCCC[G>A]GGAAGGCATGGCCGGCCAGTCGCCAGAGTCGCGCTGCCTCACGCAGGTTGCGCCGCCAAG-3'
Protein context (NP_002488.1, residues 1-14): MPS[Arg4Trp]AEDYEVLYTI

ClinVar aggregate classification (germline): Uncertain significance. Review status: criteria provided, multiple submitters, no conflicts (2 of 4 stars). 2 submissions from 2 submitters: Uncertain significance (2). Last evaluated 2024-11-23.

Conditions:
Retinal dystrophy. Also called: Inherited retinal dystrophy. Identifiers: Orphanet 71862, MedGen C0854723, MeSH D058499, MONDO:0019118, HP:0000556.

Allele frequency attached by ClinVar (database versions not stated): gnomAD exomes 0.00001; ExAC 0.00002; TOPMed 0.00005; gnomAD 0.00006; ESP Exome Variant Server 0.00008; 1000 Genomes Project 30x 0.00016; 1000 Genomes Project 0.00020.
gnomAD v4.1: 13 of 1,612,936 alleles (0.00081%); highest among the groups gnomAD compares: African/African-American, 0.017%; no homozygotes.

Submissions (2):

Labcorp Genetics (formerly Invitae), Labcorp
Classification: Uncertain significance. Last evaluated: 2024-11-23. Review status: criteria provided, single submitter. Criteria: Invitae Variant Classification Sherloc (09022015). Collection method: clinical testing. Allele origin: germline.
Comment: This sequence change replaces arginine, which is basic and polar, with tryptophan, which is neutral and slightly polar, at codon 4 of the NEK2 protein (p.Arg4Trp). This variant is present in population databases (rs200051849, gnomAD 0.02%). This variant has not been reported in the literature in individuals affected with NEK2-related conditions. ClinVar contains an entry for this variant (Variation ID: 1061892). An algorithm developed to predict the effect of missense changes on protein structure and function (PolyPhen-2) suggests that this variant is likely to be disruptive. In summary, the available evidence is currently insufficient to determine the role of this variant in disease. Therefore, it has been classified as a Variant of Uncertain Significance.

Dept Of Ophthalmology, Nagoya University
Classification: Uncertain significance for Retinal dystrophy. Last evaluated: 2023-10-01. Review status: criteria provided, single submitter. Criteria: Submitter's publication. Collection method: research. Allele origin: germline. Affected: yes.